The following is an entry in ClinVar:

ClinVar aggregate classification (germline): Likely pathogenic (0 of 4 stars; one submission).

Conditions:
GIGYF1-related disorder. Also called: GIGYF1-related condition.

Allele frequency attached by ClinVar (database versions not stated): gnomAD exomes below 0.00001.

Submission:

PreventionGenetics, part of Exact Sciences
Classification: Likely pathogenic for GIGYF1-related condition. Last evaluated: 2023-11-09. Review status: no assertion criteria provided. Collection method: clinical testing. Allele origin: germline.
Comment: The GIGYF1 c.661C>T variant is predicted to result in premature protein termination (p.Arg221*). This variant has been reported de novo in at least one individual with autism spectrum disorder (see for example: SP ID: SP0017274, Feliciano et al. 2019. PubMed ID: 31452935; Supplementary Table 2, Chen et al. 2022. PubMed ID: 35917186). This variant has not been reported in a large population database, indicating this variant is rare. Nonsense variants in GIGYF1 are expected to be pathogenic. This variant is interpreted as likely pathogenic.

NM_001375765.1(GIGYF1):c.661C>T (p.Arg221Ter)

Gene: GIGYF1 (GRB10 interacting GYF protein 1; minus strand). Cytogenetic location: 7q22.1.
Variant type: single nucleotide variant.
Coding change: c.661C>T on transcript NM_001375765.1 (MANE Select); coding-DNA position 661, C replaced by T.
Protein change: p.Arg221Ter; replaces arginine 221 with a stop codon.
Molecular consequence: nonsense. On other transcripts: non-coding transcript variant (1).
Genome position (GRCh38, 1-based): chr7:100,686,682, G>A on the plus strand (C>T on the coding strand, the complement: GIGYF1 is on the minus strand). VCF-style: chr7-100686682-G-A. GRCh37 (hg19) VCF-style: chr7-100284305-G-A.
Other names: NM_022574.4:c.661C>T; c.661C>T, p.Arg221Ter (NM_001375759.1, NM_001375760.1, NM_001375761.1 and 6 more transcripts); short protein forms R221*.
Identifiers: ClinVar variation 3037283 (VCV003037283.2), dbSNP rs2131385503, ClinGen allele CA368545484.
Genomic context (GRCh38, chr7:100,686,682, plus strand): 5'-GCCAATGCTACCAGGCCCCAATCTCACCAGGGCTGGCGGAGCGCCAGCGGTCGCCGTCTC[G>A]CCGGGGCCCTGCTCCGAGCCTCCAGCTGCCCTCCTCCTCCTCCTCCTGTTCCTCCCGTAG-3'